The following is an entry in ClinVar:

ClinVar aggregate classification (germline): Uncertain significance. Review status: criteria provided, multiple submitters, no conflicts (2 of 4 stars). 2 submissions from 2 submitters: Uncertain significance (2). Last evaluated 2024-10-08.

Conditions:
Hereditary cancer-predisposing syndrome. Also called: Tumor predisposition; Neoplastic Syndromes, Hereditary; Hereditary Cancer Syndrome; Hereditary neoplastic syndrome. Identifiers: Orphanet 140162, MedGen C0027672, MeSH D009386, MONDO:0015356.
Familial melanoma. Also called: Hereditary melanoma; Hereditary cutaneous melanoma. Identifiers: Orphanet 618, MedGen C1512419, MONDO:0018961.

Allele frequency attached by ClinVar (database versions not stated): gnomAD exomes below 0.00001.
gnomAD v4.1: 1 of 1,596,170 alleles (0.000063%); no homozygotes.

Submissions (2):

Ambry Genetics
Classification: Uncertain significance for Hereditary cancer-predisposing syndrome. Last evaluated: 2024-10-08. Review status: criteria provided, single submitter. Criteria: Ambry Variant Classification Scheme 2023. Collection method: clinical testing. Allele origin: germline.
Comment: The p.P75S variant (also known as c.223C>T), located in coding exon 2 of the CDKN2A gene, results from a C to T substitution at nucleotide position 223. The proline at codon 75 is replaced by serine, an amino acid with similar properties. Of note, this alteration is also known as c.266C>T (p.P89L)in the p14(ARF) isoform. This amino acid position is not well conserved in available vertebrate species. In addition, the in silico prediction for this alteration is inconclusive. Based on the available evidence, the clinical significance of this variant remains unclear.

Labcorp Genetics (formerly Invitae), Labcorp
Classification: Uncertain significance for Familial melanoma. Last evaluated: 2024-07-08. Review status: criteria provided, single submitter. Criteria: Invitae Variant Classification Sherloc (09022015). Collection method: clinical testing. Allele origin: germline.
Comment: The CDKN2A gene encodes two different proteins, p16INK4a and p14ARF, which are translated from alternative transcripts with different open reading frames. Both transcripts have been analyzed. We report either the variant with the higher classification or default to the CDKN2A (p16INK4a) variant. This report therefore includes the details for the CDKN2A (p16INK4a) variant. This sequence change replaces proline, which is neutral and non-polar, with serine, which is neutral and polar, at codon 75 of the CDKN2A (p16INK4a) protein (p.Pro75Ser). This variant is present in population databases (no rsID available, gnomAD no frequency). This variant has not been reported in the literature in individuals affected with CDKN2A (p16INK4a)-related conditions. This variant is also known as c.266C>T (p.Pro89Leu) in the CDKN2A (p14ARF) transcript. ClinVar contains an entry for this variant (Variation ID: 644311). An algorithm developed to predict the effect of missense changes on protein structure and function (PolyPhen-2) suggests that this variant is likely to be tolerated. In summary, the available evidence is currently insufficient to determine the role of this variant in disease. Therefore, it has been classified as a Variant of Uncertain Significance.

NM_000077.5(CDKN2A):c.223C>T (p.Pro75Ser)

Gene: CDKN2A (cyclin dependent kinase inhibitor 2A; minus strand). Cytogenetic location: 9p21.3.
Variant type: single nucleotide variant.
Coding change: c.223C>T on transcript NM_000077.5; coding-DNA position 223, C replaced by T.
Protein change: p.Pro75Ser; replaces proline 75 with serine.
Molecular consequence: missense variant (on NM_000077.6). On other transcripts: 3 prime UTR variant (1).
Genome position (GRCh38, 1-based): chr9:21,971,136, G>A on the plus strand (C>T on the coding strand, the complement: CDKN2A is on the minus strand). VCF-style: chr9-21971136-G-A. GRCh37 (hg19) VCF-style: chr9-21971135-G-A.
Other names: c.223C>T, p.Pro75Ser (NM_000077.6, NM_001195132.2); c.70C>T, p.Pro24Ser (NM_001363763.2); c.266C>T, p.Pro89Leu (NM_058195.4); c.*146C>T (NM_058197.5); short protein forms P24S, P89L, P75S.
Identifiers: ClinVar variation 644311 (VCV000644311.11), dbSNP rs1202706337, ClinGen allele CA373086293.